The following is an entry in ClinVar:

ClinVar aggregate classification (germline): Pathogenic (0 of 4 stars; one submission).

Conditions:
JAG1-related disorder. Also called: JAG1-related condition; JAG1-related disorders.

Submission:

PreventionGenetics, part of Exact Sciences
Classification: Pathogenic for JAG1-related condition. Last evaluated: 2024-04-11. Review status: no assertion criteria provided. Collection method: clinical testing. Allele origin: germline.
Comment: The JAG1 c.1459_1460delGA variant is predicted to result in a frameshift and premature protein termination (p.Asp487Hisfs*3). This variant, also known as 1898–1899delCT in the literature, has been reported in individuals with Alagille syndrome (Crosnier et al 1999. Table 1 PubMed ID: 10220506; Gilbert et al. 2019 Table 1 PubMed ID: 31343788). This variant has not been reported in a large population database, indicating this variant is rare. Frameshift variants in JAG1 are expected to be pathogenic. This variant is interpreted as pathogenic.

NM_000214.3(JAG1):c.1459_1460del (p.Asp487fs)

Gene: JAG1 (jagged canonical Notch ligand 1; minus strand). Cytogenetic location: 20p12.2.
Variant type: Microsatellite.
Coding change: c.1459_1460del on transcript NM_000214.3 (MANE Select); coding-DNA positions 1459 to 1460, 2 bases deleted (GA; older notation c.1459_1460delGA).
Protein change: p.Asp487fs; shifts the reading frame from aspartic acid 487.
Molecular consequence: frameshift variant.
Genome position (GRCh38, 1-based): chr20:10,648,658-10,648,659, TC deleted on the plus strand (GA on the coding strand, the reverse complement: JAG1 is on the minus strand); deleting any 2 consecutive bases within chr20:10,648,658-10,648,665 gives the same sequence; the c. name uses the placement nearest the transcript's 3' end. VCF-style (leftmost placement, unchanged base first): chr20-10648657-GTC-G. GRCh37 (hg19) VCF-style: chr20-10629305-GTC-G.
Other names: short protein forms D487fs.
Identifiers: ClinVar variation 2636387 (VCV002636387.2), dbSNP rs2514517243, ClinGen allele CA2695201390.
Genomic context (GRCh38, chr20:10,648,657, plus strand): 5'-GTTGATTTCATTCTGACAGTGACCCCCATTCAAACAGGGGTTGCTGGCACATTCATCGAT[GTC>G]TCTCTCACAGTGATCGCCTGCATAGCCAGGTGGACAGATACAGCGATAACCATTAACCAA-3'